The following is an entry in ClinVar:

NM_000350.3(ABCA4):c.596C>T (p.Ala199Val)

Gene: ABCA4 (ATP binding cassette subfamily A member 4; minus strand). Cytogenetic location: 1p22.1.
Variant type: single nucleotide variant.
Coding change: c.596C>T on transcript NM_000350.3 (MANE Select); coding-DNA position 596, C replaced by T.
Protein change: p.Ala199Val; replaces alanine 199 with valine.
Molecular consequence: missense variant.
Genome position (GRCh38, 1-based): chr1:94,098,966, G>A on the plus strand (C>T on the coding strand, the complement: ABCA4 is on the minus strand). VCF-style: chr1-94098966-G-A. GRCh37 (hg19) VCF-style: chr1-94564522-G-A.
Other names: c.596C>T, p.Ala199Val (NM_001425324.1); short protein forms A199V.
Identifiers: ClinVar variation 287615 (VCV000287615.20), dbSNP rs145065936, ClinGen allele CA958789.

ClinVar aggregate classification (germline): Conflicting classifications of pathogenicity. Review status: criteria provided, conflicting classifications (1 of 4 stars). 5 submissions from 5 submitters: Uncertain significance (2); Likely benign (3). Last evaluated 2025-09-19.

Conditions:
ABCA4-related disorder. Also called: ABCA4-related condition; ABCA4-related disorders. Identifiers: MedGen CN239167.

Allele frequency attached by ClinVar (database versions not stated): gnomAD exomes 0.00016; ExAC 0.00024; TOPMed 0.00045; gnomAD 0.00046 and 0.00049; ESP Exome Variant Server 0.00069; 1000 Genomes Project 30x 0.00234; 1000 Genomes Project 0.00260.
gnomAD v4.1: 221 of 1,610,218 alleles (0.014%); highest among the groups gnomAD compares: African/African-American, 0.17%; 1 homozygote.

Submissions (5):

Labcorp Genetics (formerly Invitae), Labcorp
Classification: Likely benign. Last evaluated: 2025-09-19. Review status: criteria provided, single submitter. Criteria: Invitae Variant Classification Sherloc (09022015). Collection method: clinical testing. Allele origin: germline.

PreventionGenetics, part of Exact Sciences
Classification: Likely benign for ABCA4-related condition. Last evaluated: 2025-02-24. Review status: criteria provided, single submitter. Criteria: ACMG Guidelines, 2015. Collection method: clinical testing. Allele origin: germline.
Comment: This variant is classified as likely benign based on ACMG/AMP sequence variant interpretation guidelines (Richards et al. 2015 PMID: 25741868, with internal and published modifications).

Blueprint Genetics
Classification: Likely benign. Last evaluated: 2024-10-09. Review status: criteria provided, single submitter. Criteria: ACMG Guidelines, 2015. Collection method: clinical testing. Allele origin: germline.

Illumina Laboratory Services, Illumina
Classification: Uncertain significance for ABCA4-Related Disorders. Last evaluated: 2018-01-13. Review status: criteria provided, single submitter. Criteria: ICSL Variant Classification Criteria 13 December 2019. Collection method: clinical testing. Allele origin: germline.

Eurofins Ntd Llc (ga)
Classification: Uncertain significance. Last evaluated: 2016-05-25. Review status: criteria provided, single submitter. Criteria: EGL Classification Definitions 2015. Collection method: clinical testing. Allele origin: germline. Observed: 1 variant allele, 1 heterozygote.